The following is an entry in ClinVar:

ClinVar aggregate classification (germline): Uncertain significance (1 of 4 stars; one submission).

Conditions:
Short-rib thoracic dysplasia 14 with polydactyly (SRTD14). Identifiers: Orphanet 397715, MedGen C4225286, MONDO:0014688, OMIM 616546.
Joubert syndrome 23 (JBTS23). Identifiers: Orphanet 475, MedGen C4084822, MONDO:0014664, OMIM 616490.

Allele frequency attached by ClinVar (database versions not stated): gnomAD exomes below 0.00001; TOPMed below 0.00001; ExAC 0.00001; gnomAD 0.00002.
gnomAD v4.1: 3 of 1,613,660 alleles (0.00019%); highest among the groups gnomAD compares: Non-Finnish European, 0.00025%; no homozygotes.

Submission:

Labcorp Genetics (formerly Invitae), Labcorp
Classification: Uncertain significance for Joubert syndrome 23; Short-rib thoracic dysplasia 14 with polydactyly. Last evaluated: 2021-09-03. Review status: criteria provided, single submitter. Criteria: Invitae Variant Classification Sherloc (09022015). Collection method: clinical testing. Allele origin: germline.
Comment: This variant is present in population databases (rs747213685, ExAC 0.002%). This sequence change replaces aspartic acid with glycine at codon 1140 of the KIAA0586 protein (p.Asp1140Gly). The aspartic acid residue is moderately conserved and there is a moderate physicochemical difference between aspartic acid and glycine. This variant has not been reported in the literature in individuals affected with KIAA0586-related conditions. Algorithms developed to predict the effect of missense changes on protein structure and function are either unavailable or do not agree on the potential impact of this missense change (SIFT: "Deleterious"; PolyPhen-2: "Benign"; Align-GVGD: "Class C0"). In summary, the available evidence is currently insufficient to determine the role of this variant in disease. Therefore, it has been classified as a Variant of Uncertain Significance.

NM_001329943.3(KIAA0586):c.3260A>G (p.Asp1087Gly)

Gene: KIAA0586 (KIAA0586; plus strand). Cytogenetic location: 14q23.1.
Variant type: single nucleotide variant.
Coding change: c.3260A>G on transcript NM_001329943.3 (MANE Select); coding-DNA position 3260, A replaced by G.
Protein change: p.Asp1087Gly; replaces aspartic acid 1087 with glycine.
Molecular consequence: missense variant.
Genome position (GRCh38, 1-based): chr14:58,487,122, A>G. VCF-style: chr14-58487122-A-G. GRCh37 (hg19) VCF-style: chr14-58953840-A-G.
Other names: c.3419A>G, p.Asp1140Gly (NM_001244189.2); c.3215A>G, p.Asp1072Gly (NM_001244190.2); c.3005A>G, p.Asp1002Gly (NM_001244191.2, NM_001329945.2, NM_001364700.1 and 1 more transcripts); c.3128A>G, p.Asp1043Gly (NM_001244192.2); c.2840A>G, p.Asp947Gly (NM_001244193.2); c.3260A>G, p.Asp1087Gly (NM_001329944.2, NM_001329946.2, NM_001329947.2); c.3032A>G, p.Asp1011Gly (NM_014749.5); short protein forms D1072G, D1011G, D1087G, D1140G, D1002G, D1043G, D947G.
Identifiers: ClinVar variation 1476824 (VCV001476824.6), dbSNP rs747213685, ClinGen allele CA7206105.
Genomic context (GRCh38, chr14:58,487,122, plus strand): 5'-CATCACCTGCTAAGGAGTGTGTTTTGGTAAAGACTCCAGATTCTTCTCCCTGTGATTCGG[A>G]TCATGATATGGCTTTTCCTGTGAAAGAAATATGTGCTGAAAAAGGTAGAAACTTTATTTC-3'
Protein context (NP_001316872.1, residues 1077-1097): KTPDSSPCDS[Asp1087Gly]HDMAFPVKEI